The following is an entry in ClinVar:

ClinVar aggregate classification (germline): Pathogenic/Likely pathogenic. Review status: criteria provided, multiple submitters, no conflicts (2 of 4 stars). 2 submissions from 2 submitters: Pathogenic (1); Likely pathogenic (1). Last evaluated 2025-03-10.

Conditions:
Pontocerebellar hypoplasia type 2D (PCH2D). Also called: Progressive cerebello-cerebral atrophy. Identifiers: Orphanet 247198, Orphanet 2524, MedGen C3151140, MONDO:0013438, OMIM 613811.

Submissions (2):

Natera, Inc.
Classification: Likely pathogenic for Pontocerebellar hypoplasia type 2d. Last evaluated: 2025-03-10. Review status: criteria provided, single submitter. Criteria: Natera Variant Classification Schema (03/2026). Collection method: clinical testing. Allele origin: germline.
Comment: The c.1178C>A variant in SEPSECS is a nonsense variant predicted to introduce a stop codon at amino acid 393. This variant is expected to result in nonsense mediated decay, truncation, or a dysfunctional protein product. This variant is rare in the general population with a frequency below the threshold expected for the associated phenotype(s). Given the available evidence, this variant is classified as Likely Pathogenic.

Labcorp Genetics (formerly Invitae), Labcorp
Classification: Pathogenic. Last evaluated: 2021-10-25. Review status: criteria provided, single submitter. Criteria: Invitae Variant Classification Sherloc (09022015). Collection method: clinical testing. Allele origin: germline.
Comment: This sequence change creates a premature translational stop signal (p.Ser393*) in the SEPSECS gene. While this is not anticipated to result in nonsense mediated decay, it is expected to disrupt the last 109 amino acid(s) of the SEPSECS protein. This variant is not present in population databases (gnomAD no frequency). This variant has not been reported in the literature in individuals affected with SEPSECS-related conditions. This variant disrupts a region of the SEPSECS protein in which other variant(s) (p.Tyr429*) have been determined to be pathogenic (PMID: 26115735; Invitae). This suggests that this is a clinically significant region of the protein, and that variants that disrupt it are likely to be disease-causing. For these reasons, this variant has been classified as Pathogenic.

Literature cited by the submitters: PubMed 26115735 (cited by Labcorp Genetics (formerly Invitae), Labcorp).

NM_016955.4(SEPSECS):c.1178C>A (p.Ser393Ter)

Gene: SEPSECS (Sep (O-phosphoserine) tRNA:Sec (selenocysteine) tRNA synthase; minus strand). Cytogenetic location: 4p15.2.
Variant type: single nucleotide variant.
Coding change: c.1178C>A on transcript NM_016955.4 (MANE Select); coding-DNA position 1178, C replaced by A.
Protein change: p.Ser393Ter; replaces serine 393 with a stop codon.
Molecular consequence: nonsense.
Genome position (GRCh38, 1-based): chr4:25,125,727, G>T on the plus strand (C>A on the coding strand, the complement: SEPSECS is on the minus strand). VCF-style: chr4-25125727-G-T. GRCh37 (hg19) VCF-style: chr4-25127349-G-T.
Other names: c.1178C>A (NM_016955.3); short protein forms S393*.
Identifiers: ClinVar variation 1424843 (VCV001424843.8), dbSNP rs991789621, ClinGen allele CA356533276.
Genomic context (GRCh38, chr4:25,125,727, plus strand): 5'-ACCCATATCTATCTTAAACATACTTACCTGGCTCCAGAAACCTGTCTGGTAAAAAGCATC[G>T]AGCCAAGCTGAGTGACAGCTTTGTCACGGTGTTCATCTAGTGTTTTAAGTGTCATAGCTG-3'